The following is an entry in ClinVar:

ClinVar aggregate classification (germline): Likely benign. Review status: criteria provided, multiple submitters, no conflicts (2 of 4 stars). 2 submissions from 2 submitters: Likely benign (2). Last evaluated 2026-07-01.

Conditions:
Methylmalonic acidemia with homocystinuria, type cblX (MAHCX). Also called: INTELLECTUAL DEVELOPMENTAL DISORDER, X-LINKED 3. Identifiers: Orphanet 369962, MedGen C0796208, MONDO:0010657, OMIM 309541.

gnomAD v4.1: 20 of 1,162,768 alleles (0.0017%); highest among the groups gnomAD compares: Middle Eastern, 0.052%; no homozygotes.

Submissions (2):

CeGaT Center for Human Genetics Tuebingen
Classification: Likely benign. Last evaluated: 2026-07-01. Review status: criteria provided, single submitter. Criteria: CeGaT Center For Human Genetics Tuebingen Variant Classification Criteria Version 2. Collection method: clinical testing. Allele origin: germline. Affected: yes. Observed: 1 variant allele.
Comment: HCFC1: BP4, BP7, BS2

Labcorp Genetics (formerly Invitae), Labcorp
Classification: Likely benign for Methylmalonic acidemia with homocystinuria, type cblX. Last evaluated: 2026-01-13. Review status: criteria provided, single submitter. Criteria: Invitae Variant Classification Sherloc (09022015). Collection method: clinical testing. Allele origin: germline.

NM_005334.3(HCFC1):c.3603C>T (p.Pro1201=)

Gene: HCFC1 (host cell factor C1; minus strand). Cytogenetic location: Xq28.
Variant type: single nucleotide variant.
Coding change: c.3603C>T on transcript NM_005334.3 (MANE Select); coding-DNA position 3603, C replaced by T.
Protein change: p.Pro1201=; no amino-acid change (proline 1201 retained).
Molecular consequence: synonymous variant.
Genome position (GRCh38, 1-based): chrX:153,954,796, G>A on the plus strand (C>T on the coding strand, the complement: HCFC1 is on the minus strand). VCF-style: chrX-153954796-G-A. GRCh37 (hg19) VCF-style: chrX-153220247-G-A.
Other names: c.3603C>T, p.Pro1201= (NM_001410705.1).
Identifiers: ClinVar variation 2738818 (VCV002738818.4), dbSNP rs782167598, ClinGen allele CA10557166.